The following is an entry in ClinVar:

ClinVar aggregate classification (germline): Uncertain significance (1 of 4 stars; one submission).

Allele frequency attached by ClinVar (database versions not stated): TOPMed below 0.00001; ExAC 0.00001.
gnomAD v4.1: 3 of 1,614,252 alleles (0.00019%); highest among the groups gnomAD compares: African/African-American, 0.0013%; no homozygotes.

Submission:

Labcorp Genetics (formerly Invitae), Labcorp
Classification: Uncertain significance. Last evaluated: 2025-02-17. Review status: criteria provided, single submitter. Criteria: Invitae Variant Classification Sherloc (09022015). Collection method: clinical testing. Allele origin: germline.
Comment: This sequence change replaces histidine, which is basic and polar, with tyrosine, which is neutral and polar, at codon 439 of the IRF2BP2 protein (p.His439Tyr). This variant is present in population databases (rs764846625, gnomAD 0.0009%). This variant has not been reported in the literature in individuals affected with IRF2BP2-related conditions. ClinVar contains an entry for this variant (Variation ID: 2775582). An algorithm developed to predict the effect of missense changes on protein structure and function (PolyPhen-2) suggests that this variant is likely to be disruptive. In summary, the available evidence is currently insufficient to determine the role of this variant in disease. Therefore, it has been classified as a Variant of Uncertain Significance.

NM_182972.3(IRF2BP2):c.1315C>T (p.His439Tyr)

Gene: IRF2BP2 (interferon regulatory factor 2 binding protein 2; minus strand). Cytogenetic location: 1q42.3.
Variant type: single nucleotide variant.
Coding change: c.1315C>T on transcript NM_182972.3 (MANE Select); coding-DNA position 1315, C replaced by T.
Protein change: p.His439Tyr; replaces histidine 439 with tyrosine.
Molecular consequence: missense variant.
Genome position (GRCh38, 1-based): chr1:234,607,586, G>A on the plus strand (C>T on the coding strand, the complement: IRF2BP2 is on the minus strand). VCF-style: chr1-234607586-G-A. GRCh37 (hg19) VCF-style: chr1-234743332-G-A.
Other names: c.1267C>T, p.His423Tyr (NM_001077397.1); short protein forms H423Y, H439Y.
Identifiers: ClinVar variation 2775582 (VCV002775582.3), dbSNP rs764846625, ClinGen allele CA1461590.